The following is an entry in ClinVar:

NM_004519.4(KCNQ3):c.2465G>T (p.Gly822Val)

Gene: KCNQ3 (potassium voltage-gated channel subfamily Q member 3; minus strand). Cytogenetic location: 8q24.22.
Variant type: single nucleotide variant.
Coding change: c.2465G>T on transcript NM_004519.4 (MANE Select); coding-DNA position 2465, G replaced by T.
Protein change: p.Gly822Val; replaces glycine 822 with valine.
Molecular consequence: missense variant.
Genome position (GRCh38, 1-based): chr8:132,129,416, C>A on the plus strand (G>T on the coding strand, the complement: KCNQ3 is on the minus strand). VCF-style: chr8-132129416-C-A. GRCh37 (hg19) VCF-style: chr8-133141663-C-A.
Other names: c.2105G>T, p.Gly702Val (NM_001204824.2); short protein forms G822V, G702V.
Identifiers: ClinVar variation 2919505 (VCV002919505.3), dbSNP rs1563761301, ClinGen allele CA372215832.

ClinVar aggregate classification (germline): Uncertain significance (1 of 4 stars; one submission).

Conditions:
Benign neonatal seizures. Also called: Benign familial neonatal seizures; Convulsions benign familial neonatal dominant form; Autosomal dominant form of benign neonatal seizures; Benign neonatal familial convulsions; Benign familial neonatal epilepsy. Identifiers: Orphanet 1949, MedGen C0220669, MONDO:0016027.

gnomAD v4.1: 3 of 1,614,218 alleles (0.00019%); highest among the groups gnomAD compares: East Asian, 0.0022%; no homozygotes.

Submission:

Labcorp Genetics (formerly Invitae), Labcorp
Classification: Uncertain significance for Benign neonatal seizures. Last evaluated: 2023-06-05. Review status: criteria provided, single submitter. Criteria: Invitae Variant Classification Sherloc (09022015). Collection method: clinical testing. Allele origin: germline.
Comment: In summary, the available evidence is currently insufficient to determine the role of this variant in disease. Therefore, it has been classified as a Variant of Uncertain Significance. Advanced modeling of protein sequence and biophysical properties (such as structural, functional, and spatial information, amino acid conservation, physicochemical variation, residue mobility, and thermodynamic stability) performed at Invitae indicates that this missense variant is not expected to disrupt KCNQ3 protein function. This variant has not been reported in the literature in individuals affected with KCNQ3-related conditions. This variant is not present in population databases (gnomAD no frequency). This sequence change replaces glycine, which is neutral and non-polar, with valine, which is neutral and non-polar, at codon 822 of the KCNQ3 protein (p.Gly822Val).